The following is an entry in ClinVar:

ClinVar aggregate classification (germline): Benign/Likely benign. Review status: criteria provided, multiple submitters, no conflicts (2 of 4 stars). 4 submissions from 4 submitters: Benign (2); Likely benign (2). Last evaluated 2025-08-31.

Conditions:
Inborn genetic diseases. Identifiers: MedGen C0950123, MeSH D030342.
Familial sleep-related hypermotor epilepsy. Also called: Autosomal Dominant Sleep-Related Hypermotor (Hyperkinetic) Epilepsy. Identifiers: Orphanet 98784, MedGen C3696898, MONDO:0000030.

Allele frequency attached by ClinVar (database versions not stated): gnomAD exomes 0.00009 and 0.00037; gnomAD 0.00016 and 0.00021; ExAC 0.00023; TOPMed 0.00023; 1000 Genomes Project 0.00080; 1000 Genomes Project 30x 0.00094.

Submissions (4):

Labcorp Genetics (formerly Invitae), Labcorp
Classification: Benign. Last evaluated: 2025-08-31. Review status: criteria provided, single submitter. Criteria: Invitae Variant Classification Sherloc (09022015). Collection method: clinical testing. Allele origin: germline.

Blueprint Genetics
Classification: Likely benign. Last evaluated: 2024-09-10. Review status: criteria provided, single submitter. Criteria: ACMG Guidelines, 2015. Collection method: clinical testing. Allele origin: germline.

GeneDx
Classification: Benign. Last evaluated: 2019-08-20. Review status: criteria provided, single submitter. Criteria: GeneDx Variant Classification Process June 2021. Collection method: clinical testing. Allele origin: germline. Affected: yes.
Comment: This variant is associated with the following publications: (PMID: 26309560)

Ambry Genetics
Classification: Likely benign for Inborn genetic diseases. Last evaluated: 2017-09-28. Review status: criteria provided, single submitter. Criteria: Ambry Variant Classification Scheme 2023. Collection method: clinical testing. Allele origin: germline.

NM_000748.3(CHRNB2):c.483C>T (p.His161=)

Gene: CHRNB2 (cholinergic receptor nicotinic beta 2 subunit; plus strand). Cytogenetic location: 1q21.3.
Variant type: single nucleotide variant.
Coding change: c.483C>T on transcript NM_000748.3 (MANE Select); coding-DNA position 483, C replaced by T.
Protein change: p.His161=; no amino-acid change (histidine 161 retained).
Molecular consequence: synonymous variant.
Genome position (GRCh38, 1-based): chr1:154,571,306, C>T. VCF-style: chr1-154571306-C-T. GRCh37 (hg19) VCF-style: chr1-154543782-C-T.
Identifiers: ClinVar variation 543545 (VCV000543545.16), dbSNP rs190967991, ClinGen allele CA1130738.